The following is an entry in ClinVar:

NM_006939.4(SOS2):c.3617C>A (p.Pro1206Gln)

Gene: SOS2 (SOS Ras/Rho guanine nucleotide exchange factor 2; minus strand). Cytogenetic location: 14q21.3.
Variant type: single nucleotide variant.
Coding change: c.3617C>A on transcript NM_006939.4 (MANE Select); coding-DNA position 3617, C replaced by A.
Protein change: p.Pro1206Gln; replaces proline 1206 with glutamine.
Molecular consequence: missense variant.
Genome position (GRCh38, 1-based): chr14:50,118,726, G>T on the plus strand (C>A on the coding strand, the complement: SOS2 is on the minus strand). VCF-style: chr14-50118726-G-T. GRCh37 (hg19) VCF-style: chr14-50585444-G-T.
Other names: c.3518C>A, p.Pro1173Gln (NM_001411020.1); short protein forms P1206Q, P1173Q.
Identifiers: ClinVar variation 3321559 (VCV003321559.1).

ClinVar aggregate classification (germline): Uncertain significance (1 of 4 stars; one submission).

Conditions:
Cardiovascular phenotype. Identifiers: MedGen CN230736.

gnomAD v4.1: 1 of 1,613,696 alleles (0.000062%); highest among the groups gnomAD compares: Non-Finnish European, 0.000085%; no homozygotes.

Submission:

Ambry Genetics
Classification: Uncertain significance for Cardiovascular phenotype. Last evaluated: 2024-05-02. Review status: criteria provided, single submitter. Criteria: Ambry Variant Classification Scheme 2023. Collection method: clinical testing. Allele origin: germline.
Comment: The p.P1206Q variant (also known as c.3617C>A), located in coding exon 23 of the SOS2 gene, results from a C to A substitution at nucleotide position 3617. The proline at codon 1206 is replaced by glutamine, an amino acid with similar properties. This amino acid position is conserved. In addition, the in silico prediction for this alteration is inconclusive. Based on the available evidence, the clinical significance of this variant remains unclear.